The following is an entry in ClinVar:

NM_021625.5(TRPV4):c.826A>C (p.Lys276Gln)

Gene: TRPV4 (transient receptor potential cation channel subfamily V member 4; minus strand). Cytogenetic location: 12q24.11.
Variant type: single nucleotide variant.
Coding change: c.826A>C on transcript NM_021625.5 (MANE Select); coding-DNA position 826, A replaced by C.
Protein change: p.Lys276Gln; replaces lysine 276 with glutamine.
Molecular consequence: missense variant. On other transcripts: intron variant (2).
Genome position (GRCh38, 1-based): chr12:109,800,645, T>G on the plus strand (A>C on the coding strand, the complement: TRPV4 is on the minus strand). VCF-style: chr12-109800645-T-G. GRCh37 (hg19) VCF-style: chr12-110238450-T-G.
Other names: c.724A>C, p.Lys242Gln (NM_001177431.2); c.826A>C, p.Lys276Gln (NM_147204.3); c.713-1733A>C (NM_001177433.1, NM_001177428.1); short protein forms K242Q, K276Q.
Identifiers: ClinVar variation 1320448 (VCV001320448.2), dbSNP rs387906907, ClinGen allele CA386655284.

ClinVar aggregate classification (germline): Uncertain significance (1 of 4 stars; one submission).

Submission:

GeneDx
Classification: Uncertain significance. Last evaluated: 2019-06-06. Review status: criteria provided, single submitter. Criteria: GeneDx Variant Classification Process June 2021. Collection method: clinical testing. Allele origin: germline. Affected: yes.
Comment: Not observed in large population cohorts (Lek et al., 2016); In silico analysis, which includes protein predictors and evolutionary conservation, supports that this variant does not alter protein structure/function; Has not been previously published as pathogenic or benign to our knowledge